The following is an entry in ClinVar:

ClinVar aggregate classification (germline): Uncertain significance (1 of 4 stars; one submission).

Conditions:
Hereditary cancer-predisposing syndrome. Also called: Neoplastic Syndromes, Hereditary; Tumor predisposition; Hereditary neoplastic syndrome; Hereditary Cancer Syndrome. Identifiers: Orphanet 140162, MedGen C0027672, MeSH D009386, MONDO:0015356.

Submission:

Ambry Genetics
Classification: Uncertain significance for Hereditary cancer-predisposing syndrome. Last evaluated: 2023-02-24. Review status: criteria provided, single submitter. Criteria: Ambry Variant Classification Scheme 2023. Collection method: clinical testing. Allele origin: germline.
Comment: The p.E2550K variant (also known as c.7648G>A), located in coding exon 15 of the APC gene, results from a G to A substitution at nucleotide position 7648. The glutamic acid at codon 2550 is replaced by lysine, an amino acid with similar properties. This amino acid position is conserved. In addition, in silico predictors for this gene do not accurately predict pathogenicity. Since supporting evidence is limited at this time, the clinical significance of this alteration remains unclear.

NM_000038.6(APC):c.7648G>A (p.Glu2550Lys)

Gene: APC (APC regulator of Wnt signaling pathway; plus strand). Cytogenetic location: 5q22.2.
Variant type: single nucleotide variant.
Coding change: c.7648G>A on transcript NM_000038.6 (MANE Select); coding-DNA position 7648, G replaced by A.
Protein change: p.Glu2550Lys; replaces glutamic acid 2550 with lysine.
Molecular consequence: missense variant. On other transcripts: non-coding transcript variant (2).
Genome position (GRCh38, 1-based): chr5:112,843,242, G>A. VCF-style: chr5-112843242-G-A. GRCh37 (hg19) VCF-style: chr5-112178939-G-A.
Other names: c.7648G>A, p.Glu2550Lys (NM_001127510.3, NM_001354895.2, NM_001407450.1); c.7594G>A, p.Glu2532Lys (NM_001127511.3); c.7702G>A, p.Glu2568Lys (NM_001354896.2, NM_001407447.1, NM_001407448.1 and 1 more transcripts); c.7678G>A, p.Glu2560Lys (NM_001354897.2); c.7573G>A, p.Glu2525Lys (NM_001354898.2); c.7564G>A, p.Glu2522Lys (NM_001354899.2); c.7525G>A, p.Glu2509Lys (NM_001354900.2); c.7471G>A, p.Glu2491Lys (NM_001354901.2, NM_001407453.1); and 11 more; short protein forms E2424K, E2459K, E2467K, E2522K, E2550K, E2390K, E2543K, E2166K.
Identifiers: ClinVar variation 2452764 (VCV002452764.2), dbSNP rs2149991221, ClinGen allele CA16037942.